The following is an entry in ClinVar:

NM_005732.4(RAD50):c.2797A>G (p.Lys933Glu)

Gene: RAD50 (RAD50 double strand break repair protein; plus strand). Cytogenetic location: 5q31.1.
Variant type: single nucleotide variant.
Coding change: c.2797A>G on transcript NM_005732.4 (MANE Select); coding-DNA position 2797, A replaced by G.
Protein change: p.Lys933Glu; replaces lysine 933 with glutamic acid.
Molecular consequence: missense variant.
Genome position (GRCh38, 1-based): chr5:132,608,693, A>G. VCF-style: chr5-132608693-A-G. GRCh37 (hg19) VCF-style: chr5-131944385-A-G.
Other names: short protein forms K933E.
Identifiers: ClinVar variation 2451431 (VCV002451431.2), dbSNP rs2479370058, ClinGen allele CA360959064.

ClinVar aggregate classification (germline): Uncertain significance (1 of 4 stars; one submission).

Conditions:
Hereditary cancer-predisposing syndrome. Also called: Neoplastic Syndromes, Hereditary; Tumor predisposition; Hereditary neoplastic syndrome; Hereditary Cancer Syndrome. Identifiers: Orphanet 140162, MedGen C0027672, MeSH D009386, MONDO:0015356.

Submission:

Ambry Genetics
Classification: Uncertain significance for Hereditary cancer-predisposing syndrome. Last evaluated: 2023-02-23. Review status: criteria provided, single submitter. Criteria: Ambry Variant Classification Scheme 2023. Collection method: clinical testing. Allele origin: germline.
Comment: The p.K933E variant (also known as c.2797A>G), located in coding exon 17 of the RAD50 gene, results from an A to G substitution at nucleotide position 2797. The lysine at codon 933 is replaced by glutamic acid, an amino acid with similar properties. This amino acid position is conserved. In addition, this alteration is predicted to be tolerated by in silico analysis. Since supporting evidence is limited at this time, the clinical significance of this alteration remains unclear.